The following is an entry in ClinVar:

ClinVar aggregate classification (germline): Uncertain significance. Review status: criteria provided, multiple submitters, no conflicts (2 of 4 stars). 2 submissions from 2 submitters: Uncertain significance (2). Last evaluated 2024-04-08.

Conditions:
Emery-Dreifuss muscular dystrophy 5, autosomal dominant (EDMD5). Also called: EMERY-DREIFUSS MUSCULAR DYSTROPHY 5. Identifiers: Orphanet 261, MedGen C2751805, MONDO:0013072, OMIM 612999.

Allele frequency attached by ClinVar (database versions not stated): TOPMed below 0.00001; gnomAD 0.00002.
gnomAD v4.1: 3 of 1,613,202 alleles (0.00019%); highest among the groups gnomAD compares: African/African-American, 0.004%; no homozygotes.

Submissions (2):

Labcorp Genetics (formerly Invitae), Labcorp
Classification: Uncertain significance for Emery-Dreifuss muscular dystrophy 5, autosomal dominant. Last evaluated: 2024-04-08. Review status: criteria provided, single submitter. Criteria: Invitae Variant Classification Sherloc (09022015). Collection method: clinical testing. Allele origin: germline.
Comment: This sequence change falls in intron 68 of the SYNE2 gene. It does not directly change the encoded amino acid sequence of the SYNE2 protein. It affects a nucleotide within the consensus splice site. This variant is present in population databases (no rsID available, gnomAD 0.02%). This variant has not been reported in the literature in individuals affected with SYNE2-related conditions. ClinVar contains an entry for this variant (Variation ID: 882877). Variants that disrupt the consensus splice site are a relatively common cause of aberrant splicing (PMID: 17576681, 9536098). Algorithms developed to predict the effect of sequence changes on RNA splicing suggest that this variant is not likely to affect RNA splicing. In summary, the available evidence is currently insufficient to determine the role of this variant in disease. Therefore, it has been classified as a Variant of Uncertain Significance.

Illumina Laboratory Services, Illumina
Classification: Uncertain significance for Emery-Dreifuss muscular dystrophy 5, autosomal dominant. Last evaluated: 2018-01-13. Review status: criteria provided, single submitter. Criteria: ICSL Variant Classification Criteria 13 December 2019. Collection method: clinical testing. Allele origin: germline.

Literature cited by the submitters: PubMed 17576681 (cited by Labcorp Genetics (formerly Invitae), Labcorp); PubMed 9536098 (cited by Labcorp Genetics (formerly Invitae), Labcorp).

NM_182914.3(SYNE2):c.13159-3C>T

Gene: SYNE2 (spectrin repeat containing nuclear envelope protein 2; plus strand). Cytogenetic location: 14q23.2.
Variant type: single nucleotide variant.
Coding change: c.13159-3C>T on transcript NM_182914.3 (MANE Select); 3 bases into the intron before coding-DNA position 13159, C replaced by T.
Molecular consequence: intron variant.
Genome position (GRCh38, 1-based): chr14:64,122,009, C>T. VCF-style: chr14-64122009-C-T. GRCh37 (hg19) VCF-style: chr14-64588727-C-T.
Other names: c.13159-3C>T (NM_015180.6).
Identifiers: ClinVar variation 882877 (VCV000882877.7), dbSNP rs1277619996, ClinGen allele CA614404166.